The following is an entry in ClinVar:

ClinVar aggregate classification (germline): Uncertain significance (1 of 4 stars; one submission).

Submission:

GeneDx
Classification: Uncertain significance. Last evaluated: 2022-07-15. Review status: criteria provided, single submitter. Criteria: GeneDx Variant Classification Process June 2021. Collection method: clinical testing. Allele origin: germline. Affected: yes.
Comment: Not observed at significant frequency in large population cohorts (gnomAD); In silico analysis supports that this missense variant has a deleterious effect on protein structure/function; Has not been previously published as pathogenic or benign to our knowledge

NM_020806.5(GPHN):c.2012T>C (p.Phe671Ser)

Genes: GPHN (gephyrin; plus strand), LOC126861970 (MED14-independent group 3 enhancer GRCh37_chr14:67634697-67635896; plus strand). Cytogenetic location: 14q23.3.
Variant type: single nucleotide variant.
Coding change: c.2012T>C on transcript NM_020806.5 (MANE Select); coding-DNA position 2012, T replaced by C.
Protein change: p.Phe671Ser; replaces phenylalanine 671 with serine.
Molecular consequence: missense variant.
Genome position (GRCh38, 1-based): chr14:67,168,969, T>C. VCF-style: chr14-67168969-T-C. GRCh37 (hg19) VCF-style: chr14-67635686-T-C.
Other names: c.1913T>C, p.Phe638Ser (NM_001024218.2); c.2072T>C, p.Phe691Ser (NM_001377514.1); c.2042T>C, p.Phe681Ser (NM_001377515.1); c.2033T>C, p.Phe678Ser (NM_001377516.1); c.1985T>C, p.Phe662Ser (NM_001377517.1); c.1970T>C, p.Phe657Ser (NM_001377518.1); c.1952T>C, p.Phe651Ser (NM_001377519.1); short protein forms F638S, F651S, F657S, F662S, F671S, F678S, F681S, F691S.
Identifiers: ClinVar variation 1878734 (VCV001878734.1), dbSNP rs2544304183, ClinGen allele CA390121968.
Genomic context (GRCh38, chr14:67,168,969, plus strand): 5'-AATAACTGCTTGGTTGACTTTCAGGGAATCCTGTATCGGCTGTGGTCACCTGCAATCTCT[T>C]TGTTGTGCCTGCACTGAGGAAAATGCAGGGCATCTTGGATCCTCGGCCAACCATCATCAA-3'
Protein context (NP_065857.1, residues 661-681): PVSAVVTCNL[Phe671Ser]VVPALRKMQG